The following is an entry in ClinVar:

ClinVar aggregate classification (germline): Likely benign (1 of 4 stars; one submission).

gnomAD v4.1: 9 of 1,612,528 alleles (0.00056%); highest among the groups gnomAD compares: African/African-American, 0.0053%; no homozygotes.

Submission:

Women's Health and Genetics/Laboratory Corporation of America, LabCorp
Classification: Likely benign. Last evaluated: 2025-12-08. Review status: criteria provided, single submitter. Criteria: LabCorp Variant Classification Summary - May 2015. Collection method: clinical testing. Allele origin: germline.
Comment: Variant summary: PKD1 c.4881T>C alters a conserved nucleotide resulting in a synonymous change. Consensus agreement among computation tools predict no significant impact on normal splicing. However, these predictions have yet to be confirmed by functional studies. The variant allele was found at a frequency of 4e-06 in 248992 control chromosomes. The available data on variant occurrences in the general population are insufficient to allow any conclusion about variant significance. To our knowledge, no occurrence of c.4881T>C in individuals affected with PKD1-related conditions and no experimental evidence demonstrating its impact on protein function have been reported. No submitters have cited clinical-significance assessments for this variant to ClinVar. Based on the evidence outlined above, the variant was classified as likely benign.

NM_001009944.3(PKD1):c.4881T>C (p.Tyr1627=)

Gene: PKD1 (polycystin 1, transient receptor potential channel interacting; minus strand). Cytogenetic location: 16p13.3.
Variant type: single nucleotide variant.
Coding change: c.4881T>C on transcript NM_001009944.3 (MANE Select); coding-DNA position 4881, T replaced by C.
Protein change: p.Tyr1627=; no amino-acid change (tyrosine 1627 retained).
Molecular consequence: synonymous variant.
Genome position (GRCh38, 1-based): chr16:2,110,286, A>G on the plus strand (T>C on the coding strand, the complement: PKD1 is on the minus strand). VCF-style: chr16-2110286-A-G. GRCh37 (hg19) VCF-style: chr16-2160287-A-G.
Other names: c.4881T>C, p.Tyr1627= (NM_000296.4).
Identifiers: ClinVar variation 4688510 (VCV004688510.1).